The following is an entry in ClinVar:

ClinVar aggregate classification (germline): Benign/Likely benign. Review status: criteria provided, multiple submitters, no conflicts (2 of 4 stars). 4 submissions from 4 submitters: Benign (1); Likely benign (2). 1 of the submissions does not count toward it. Last evaluated 2026-01-25.

Conditions:
ADAMTS17-related disorder. Also called: ADAMTS17-related condition.

Allele frequency attached by ClinVar (database versions not stated): gnomAD exomes 0.00054; ExAC 0.00110; 1000 Genomes Project 0.00140; 1000 Genomes Project 30x 0.00187; ESP Exome Variant Server 0.00187; gnomAD 0.00219 and 0.00237; TOPMed 0.00244.
gnomAD v4.1: 611 of 1,550,448 alleles (0.039%); highest among the groups gnomAD compares: African/African-American, 0.72%; 4 homozygotes.

Submissions (4):

Labcorp Genetics (formerly Invitae), Labcorp
Classification: Benign. Last evaluated: 2026-01-25. Review status: criteria provided, single submitter. Criteria: Invitae Variant Classification Sherloc (09022015). Collection method: clinical testing. Allele origin: germline.

Blueprint Genetics
Classification: Likely benign. Last evaluated: 2024-07-11. Review status: criteria provided, single submitter. Criteria: ACMG Guidelines, 2015. Collection method: clinical testing. Allele origin: germline.

CeGaT Center for Human Genetics Tuebingen
Classification: Likely benign. Last evaluated: 2022-05-01. Review status: criteria provided, single submitter. Criteria: CeGaT Center For Human Genetics Tuebingen Variant Classification Criteria Version 2. Collection method: clinical testing. Allele origin: germline. Affected: yes. Observed: 1 variant allele.
Comment: ADAMTS17: BP4, BP7

PreventionGenetics, part of Exact Sciences
Classification: Likely benign for ADAMTS17-related condition. Last evaluated: 2019-03-01. Review status: no assertion criteria provided. Collection method: clinical testing. Allele origin: germline. Not counted in ClinVar's aggregate classification.
Comment: This variant is classified as likely benign based on ACMG/AMP sequence variant interpretation guidelines (Richards et al. 2015 PMID: 25741868, with internal and published modifications).

NM_139057.4(ADAMTS17):c.3123C>A (p.Arg1041=)

Gene: ADAMTS17 (ADAM metallopeptidase with thrombospondin type 1 motif 17; minus strand). Cytogenetic location: 15q26.3.
Variant type: single nucleotide variant.
Coding change: c.3123C>A on transcript NM_139057.4 (MANE Select); coding-DNA position 3123, C replaced by A.
Protein change: p.Arg1041=; no amino-acid change (arginine 1041 retained).
Molecular consequence: synonymous variant.
Genome position (GRCh38, 1-based): chr15:99,976,049, G>T on the plus strand (C>A on the coding strand, the complement: ADAMTS17 is on the minus strand). VCF-style: chr15-99976049-G-T. GRCh37 (hg19) VCF-style: chr15-100516254-G-T.
Identifiers: ClinVar variation 710080 (VCV000710080.34), dbSNP rs138966104, ClinGen allele CA7757483.